The following is an entry in ClinVar:

ClinVar aggregate classification (germline): Pathogenic (1 of 4 stars; one submission).

Submission:

Labcorp Genetics (formerly Invitae), Labcorp
Classification: Pathogenic. Last evaluated: 2023-06-30. Review status: criteria provided, single submitter. Criteria: Invitae Variant Classification Sherloc (09022015). Collection method: clinical testing. Allele origin: germline.
Comment: For these reasons, this variant has been classified as Pathogenic. This sequence change creates a premature translational stop signal (p.Lys156Asnfs*10) in the LZTR1 gene. It is expected to result in an absent or disrupted protein product. Loss-of-function variants in LZTR1 are known to be pathogenic (PMID: 24362817, 25335493, 25480913, 25795793, 29469822, 30368668, 30442762, 30442766, 30481304, 30859559). This variant is not present in population databases (gnomAD no frequency). This variant has not been reported in the literature in individuals affected with LZTR1-related conditions.

Literature cited by the submitters: PubMed 24362817; PubMed 25335493; PubMed 25480913; PubMed 25795793; PubMed 29469822; PubMed 30368668; PubMed 30442762; PubMed 30442766; PubMed 30481304; PubMed 30859559.

NM_006767.4(LZTR1):c.468_475del (p.Lys156fs)

Gene: LZTR1 (leucine zipper like post translational regulator 1; plus strand). Cytogenetic location: 22q11.21.
Variant type: Deletion.
Coding change: c.468_475del on transcript NM_006767.4 (MANE Select); coding-DNA positions 468 to 475, 8 bases deleted (GTTTGCAA; older notation c.468_475delGTTTGCAA).
Protein change: p.Lys156fs; shifts the reading frame from lysine 156.
Molecular consequence: frameshift variant.
Genome position (GRCh38, 1-based): chr22:20,988,077-20,988,084, GTTTGCAA deleted; deleting any 8 consecutive bases within chr22:20,988,074-20,988,084 gives the same sequence; the c. name uses the placement nearest the transcript's 3' end. VCF-style (leftmost placement, unchanged base first): chr22-20988073-ACAAGTTTG-A. GRCh37 (hg19) VCF-style: chr22-21342362-ACAAGTTTG-A.
Other names: short protein forms K156fs.
Identifiers: ClinVar variation 2717643 (VCV002717643.3), dbSNP rs2518613312, ClinGen allele CA2697547667.